The following is an entry in ClinVar:

NM_001276389.2(KIZ):c.2T>C (p.Met1Thr)

Genes: KIZ (kizuna centrosomal protein; plus strand), LOC130065507 (ATAC-STARR-seq lymphoblastoid silent region 12713; plus strand). Cytogenetic location: 20p11.23.
Variant type: single nucleotide variant.
Coding change: c.2T>C on transcript NM_001276389.2; coding-DNA position 2, T replaced by C.
Protein change: p.Met1Thr; changes the start codon (methionine 1).
Molecular consequence: missense variant, initiator codon variant.
Genome position (GRCh38, 1-based): chr20:21,126,038, T>C. VCF-style: chr20-21126038-T-C. GRCh37 (hg19) VCF-style: chr20-21106679-T-C.
Other names: short protein forms M1T.
Identifiers: ClinVar variation 4849397 (VCV004849397.2).
Genomic context (GRCh38, chr20:21,126,038, plus strand): 5'-CCCACGGCGTCTTGCCCCGCCTCCTGCAGGCGGCCCGGCGCGGTGTTTACCCGCGGTGCA[T>C]GGTGGGGCGGTCTCCTTCGGCAACCCCGGCCGAACGGCCACCCAGAGGCTGTGCTGAGCT-3'

ClinVar aggregate classification (germline): Conflicting classifications of pathogenicity. Review status: criteria provided, conflicting classifications (1 of 4 stars). 2 submissions from 2 submitters: Likely pathogenic (1); Likely benign (1). Last evaluated 2025-07-24.

Conditions:
Retinitis pigmentosa 69 (RP69). Identifiers: Orphanet 791, MedGen C4014312, MONDO:0014345, OMIM 615780.
KIZ-related disorder. Also called: KIZ-related condition.

gnomAD v4.1: 179 of 1,400,172 alleles (0.013%); highest among the groups gnomAD compares: Admixed American, 0.044%; no homozygotes.

Submissions (2):

First Genomix Gene Laboratory, Genetic Diagnostics Department
Classification: Likely pathogenic for Retinitis pigmentosa 69. Last evaluated: 2025-07-24. Review status: criteria provided, single submitter. Criteria: ACMG Guidelines, 2015. Collection method: clinical testing. Allele origin: germline. Inheritance: Autosomal recessive inheritance. Affected: no. Observed: 1 variant allele.

PreventionGenetics, part of Exact Sciences
Classification: Likely benign for KIZ-related condition. Last evaluated: 2025-02-13. Review status: criteria provided, single submitter. Criteria: ACMG Guidelines, 2015. Collection method: clinical testing. Allele origin: germline.
Comment: This variant is classified as likely benign based on ACMG/AMP sequence variant interpretation guidelines (Richards et al. 2015 PMID: 25741868, with internal and published modifications).